The following is an entry in ClinVar:

NM_025114.4(CEP290):c.1313A>G (p.Asp438Gly)

Gene: CEP290 (centrosomal protein 290; minus strand). Cytogenetic location: 12q21.32.
Variant type: single nucleotide variant.
Coding change: c.1313A>G on transcript NM_025114.4 (MANE Select); coding-DNA position 1313, A replaced by G.
Protein change: p.Asp438Gly; replaces aspartic acid 438 with glycine.
Molecular consequence: missense variant.
Genome position (GRCh38, 1-based): chr12:88,121,043, T>C on the plus strand (A>G on the coding strand, the complement: CEP290 is on the minus strand). VCF-style: chr12-88121043-T-C. GRCh37 (hg19) VCF-style: chr12-88514820-T-C.
Other names: short protein forms D438G.
Identifiers: ClinVar variation 1464999 (VCV001464999.6), dbSNP rs2137917175, ClinGen allele CA385980493.
Genomic context (GRCh38, chr12:88,121,043, plus strand): 5'-ATAAAAATACATACCGATTCATAATCTTTTAACCTCTTCAGAGCCTCAACTAATTCTTTA[T>C]CCTTTTCCCTAGCATCAGCCTCAGCCAGTTCAGCTGTTCTCTCAGCCTCTTTAGTTTTCT-3'
Protein context (NP_079390.3, residues 428-448): ELAEADAREK[Asp438Gly]KELVEALKRL

ClinVar aggregate classification (germline): Uncertain significance (1 of 4 stars; one submission).

Conditions:
Nephronophthisis. Also called: Juvenile Nephronophthisis. Identifiers: Orphanet 655, MedGen C0687120, MONDO:0019005, HP:0000090.
Meckel-Gruber syndrome. Also called: DYSENCEPHALIA SPLANCHNOCYSTICA; GRUBER SYNDROME; Dysencephalia splachnocystica. Identifiers: Orphanet 564, MedGen C0265215, MONDO:0018921.
Joubert syndrome. Also called: CEREBELLOPARENCHYMAL DISORDER IV; JOUBERT-BOLTSHAUSER SYNDROME; Familial aplasia of the vermis. Identifiers: Orphanet 475, MedGen C5979921, MONDO:0018772.

Submission:

Labcorp Genetics (formerly Invitae), Labcorp
Classification: Uncertain significance for Joubert syndrome; Meckel-Gruber syndrome; Nephronophthisis. Last evaluated: 2021-12-03. Review status: criteria provided, single submitter. Criteria: Invitae Variant Classification Sherloc (09022015). Collection method: clinical testing. Allele origin: germline.
Comment: In summary, the available evidence is currently insufficient to determine the role of this variant in disease. Therefore, it has been classified as a Variant of Uncertain Significance. Algorithms developed to predict the effect of sequence changes on RNA splicing suggest that this variant may create or strengthen a splice site. Algorithms developed to predict the effect of missense changes on protein structure and function are either unavailable or do not agree on the potential impact of this missense change (SIFT: "Tolerated"; PolyPhen-2: "Possibly Damaging"; Align-GVGD: "Class C0"). This variant has not been reported in the literature in individuals affected with CEP290-related conditions. This variant is not present in population databases (gnomAD no frequency). This sequence change replaces aspartic acid, which is acidic and polar, with glycine, which is neutral and non-polar, at codon 438 of the CEP290 protein (p.Asp438Gly).